The following is an entry in ClinVar:

NM_001166108.2(PALLD):c.1873G>A (p.Gly625Ser)

Gene: PALLD (palladin, cytoskeletal associated protein; plus strand). Cytogenetic location: 4q32.3.
Variant type: single nucleotide variant.
Coding change: c.1873G>A on transcript NM_001166108.2 (MANE Select); coding-DNA position 1873, G replaced by A.
Protein change: p.Gly625Ser; replaces glycine 625 with serine.
Molecular consequence: missense variant.
Genome position (GRCh38, 1-based): chr4:168,711,832, G>A. VCF-style: chr4-168711832-G-A. GRCh37 (hg19) VCF-style: chr4-169632983-G-A.
Other names: p.G625S:GGC>AGC; c.727G>A, p.Gly243Ser (NM_001166109.2); c.1873G>A, p.Gly625Ser (NM_016081.4); short protein forms G625S, G243S.
Identifiers: ClinVar variation 128100 (VCV000128100.5), dbSNP rs373113485, ClinGen allele CA288352.

ClinVar aggregate classification (germline): Uncertain significance. Review status: criteria provided, multiple submitters, no conflicts (2 of 4 stars). 3 submissions from 3 submitters: Uncertain significance (3). Last evaluated 2022-10-03.

Conditions:
PALLD-related disorder. Also called: PALLD-related condition.

Allele frequency attached by ClinVar (database versions not stated): gnomAD 0.00001; ExAC 0.00002; gnomAD exomes 0.00002; TOPMed 0.00002; ESP Exome Variant Server 0.00008.
gnomAD v4.1: 31 of 1,613,968 alleles (0.0019%); highest among the groups gnomAD compares: East Asian, 0.0022%; no homozygotes.

Submissions (3):

Ambry Genetics
Classification: Uncertain significance. Last evaluated: 2022-10-03. Review status: criteria provided, single submitter. Criteria: Ambry Variant Classification Scheme 2023. Collection method: clinical testing. Allele origin: germline.
Comment: The p.G625S variant (also known as c.1873G>A), located in coding exon 9 of the PALLD gene, results from a G to A substitution at nucleotide position 1873. The glycine at codon 625 is replaced by serine, an amino acid with similar properties. This amino acid position is conserved. In addition, this alteration is predicted to be tolerated by in silico analysis. Since supporting evidence is limited at this time, the clinical significance of this alteration remains unclear.

PreventionGenetics, part of Exact Sciences
Classification: Uncertain significance for PALLD-related condition. Last evaluated: 2022-09-30. Review status: criteria provided, single submitter. Criteria: ACMG Guidelines, 2015. Collection method: clinical testing. Allele origin: germline.
Comment: The PALLD c.1873G>A variant is predicted to result in the amino acid substitution p.Gly625Ser. To our knowledge, this variant has not been reported in the literature. This variant is reported in 0.012% of alleles in individuals of African descent in gnomAD. In the ClinVar database, this variant has been listed as 'uncertain' by one outside laboratory. At this time, the clinical significance of this variant is uncertain due to the absence of conclusive functional and genetic evidence.

GeneDx
Classification: Uncertain significance. Last evaluated: 2014-02-05. Review status: criteria provided, single submitter. Criteria: GeneDx Variant Classification (06012015). Collection method: clinical testing. Allele origin: germline. Affected: yes.
Comment: PALLD has only recently been described in association with pancreatic cancer and the risks are not well understood.This variant is denoted PALLD c.1873G>A at the cDNA level, p.Gly625Ser (G625S) at the protein level, and results in the change of a Glycine to a Serine (GGC>AGC). This variant has not, to our knowledge, been published in the literature as pathogenic or benign. PALLD Gly625Ser was not observed at a significant allele frequency in the NHLBI Exome Sequencing Project. This variant is a non-conservative substitution in which a neutral non-polar amino acid is replaced with a neutral polar one, altering a position that is well conserved throughout evolution and is not located in a known functional domain. In silico analyses are inconsistent with regard to the effect this variant may have on protein structure and function. On a molecular level, the impact of this missense variant on protein structure and function is not known and thus we consider this to be a variant of uncertain significance. Furthermore, based on the currently available information, cancer risks associated with this variant, and the PALLD gene, remain unclear.